The following is an entry in ClinVar:

NM_002528.7(NTHL1):c.65G>C (p.Arg22Pro)

Gene: NTHL1 (nth like DNA glycosylase 1; minus strand). Cytogenetic location: 16p13.3.
Variant type: single nucleotide variant.
Coding change: c.65G>C on transcript NM_002528.7 (MANE Select); coding-DNA position 65, G replaced by C.
Protein change: p.Arg22Pro; replaces arginine 22 with proline.
Molecular consequence: missense variant. On other transcripts: 5 prime UTR variant (1).
Genome position (GRCh38, 1-based): chr16:2,047,759, C>G on the plus strand (G>C on the coding strand, the complement: NTHL1 is on the minus strand). VCF-style: chr16-2047759-C-G. GRCh37 (hg19) VCF-style: chr16-2097760-C-G.
Other names: c.65G>C, p.Arg22Pro (NM_001318193.2); c.-114G>C (NM_001318194.2); short protein forms R22P.
Identifiers: ClinVar variation 4662221 (VCV004662221.1).

ClinVar aggregate classification (germline): Uncertain significance (1 of 4 stars; one submission).

Conditions:
Hereditary cancer-predisposing syndrome. Also called: Neoplastic Syndromes, Hereditary; Tumor predisposition; Hereditary Cancer Syndrome; Hereditary neoplastic syndrome. Identifiers: Orphanet 140162, MedGen C0027672, MeSH D009386, MONDO:0015356.

Submission:

Ambry Genetics
Classification: Uncertain significance for Hereditary cancer-predisposing syndrome. Last evaluated: 2025-09-17. Review status: criteria provided, single submitter. Criteria: Ambry Variant Classification Scheme 2023. Collection method: clinical testing. Allele origin: germline.
Comment: The p.R30P variant (also known as c.89G>C), located in coding exon 1 of the NTHL1 gene, results from a G to C substitution at nucleotide position 89. The arginine at codon 30 is replaced by proline, an amino acid with dissimilar properties. This amino acid position is conserved. In addition, this alteration is predicted to be tolerated by in silico analysis. Based on the available evidence, the clinical significance of this variant remains unclear.